The following is an entry in ClinVar:

NM_017882.3(CLN6):c.284T>C (p.Phe95Ser)

Gene: CLN6 (CLN6 transmembrane ER protein; minus strand). Cytogenetic location: 15q23.
Variant type: single nucleotide variant.
Coding change: c.284T>C on transcript NM_017882.3 (MANE Select); coding-DNA position 284, T replaced by C.
Protein change: p.Phe95Ser; replaces phenylalanine 95 with serine.
Molecular consequence: missense variant.
Genome position (GRCh38, 1-based): chr15:68,214,303, A>G on the plus strand (T>C on the coding strand, the complement: CLN6 is on the minus strand). VCF-style: chr15-68214303-A-G. GRCh37 (hg19) VCF-style: chr15-68506641-A-G.
Other names: c.380T>C, p.Phe127Ser (NM_001411068.1); short protein forms F127S, F95S.
Identifiers: ClinVar variation 2169373 (VCV002169373.1), dbSNP rs1207005496, ClinGen allele CA392974335.

ClinVar aggregate classification (germline): Uncertain significance (1 of 4 stars; one submission).

Conditions:
Neuronal ceroid lipofuscinosis. Also called: Neuronal Ceroid Lipofuscinoses. Identifiers: Orphanet 216, Orphanet 79263, MedGen C0027877, MONDO:0016295. Disease mechanism: loss of function.

Allele frequency attached by ClinVar (database versions not stated): gnomAD exomes below 0.00001.
gnomAD v4.1: 2 of 1,613,390 alleles (0.00012%); highest among the groups gnomAD compares: Middle Eastern, 0.033%; no homozygotes.

Submission:

Labcorp Genetics (formerly Invitae), Labcorp
Classification: Uncertain significance for Neuronal ceroid lipofuscinosis. Last evaluated: 2022-02-03. Review status: criteria provided, single submitter. Criteria: Invitae Variant Classification Sherloc (09022015). Collection method: clinical testing. Allele origin: germline.
Comment: This sequence change replaces phenylalanine, which is neutral and non-polar, with serine, which is neutral and polar, at codon 95 of the CLN6 protein (p.Phe95Ser). This variant is present in population databases (no rsID available, gnomAD no frequency). This variant has not been reported in the literature in individuals affected with CLN6-related conditions. Algorithms developed to predict the effect of missense changes on protein structure and function are either unavailable or do not agree on the potential impact of this missense change (SIFT: "Deleterious"; PolyPhen-2: "Probably Damaging"; Align-GVGD: "Class C0"). In summary, the available evidence is currently insufficient to determine the role of this variant in disease. Therefore, it has been classified as a Variant of Uncertain Significance.